The following is an entry in ClinVar:

NM_002230.4(JUP):c.1555C>G (p.Gln519Glu)

Gene: JUP (junction plakoglobin; minus strand). Cytogenetic location: 17q21.2.
Variant type: single nucleotide variant.
Coding change: c.1555C>G on transcript NM_002230.4 (MANE Select); coding-DNA position 1555, C replaced by G.
Protein change: p.Gln519Glu; replaces glutamine 519 with glutamic acid.
Molecular consequence: missense variant.
Genome position (GRCh38, 1-based): chr17:41,758,813, G>C on the plus strand (C>G on the coding strand, the complement: JUP is on the minus strand). VCF-style: chr17-41758813-G-C. GRCh37 (hg19) VCF-style: chr17-39915065-G-C.
Other names: c.1555C>G, p.Gln519Glu (NM_001352773.2, NM_001352774.2, NM_001352775.2 and 3 more transcripts); short protein forms Q519E.
Identifiers: ClinVar variation 566899 (VCV000566899.13), dbSNP rs139454583, ClinGen allele CA290696277.
Genomic context (GRCh38, chr17:41,758,813, plus strand): 5'-GGGCATCCTGGTGGGCCTTCACCAGCAGTTGGACGAGGCGGGGGATGACCGCTGCCTCCT[G>C]CAGCGGGGCATGGTTGGCTGGGCACAGGGCCAGATTCCTGATCAAGCCGATGGTTGCCTG-3'
Protein context (NP_002221.1, residues 509-529): ALCPANHAPL[Gln519Glu]EAAVIPRLVQ

ClinVar aggregate classification (germline): Uncertain significance. Review status: criteria provided, multiple submitters, no conflicts (2 of 4 stars). 3 submissions from 3 submitters: Uncertain significance (3). Last evaluated 2025-12-26.

Conditions:
Primary dilated cardiomyopathy (DCM). Also called: Dilated Cardiomyopathy. Identifiers: Orphanet 217604, MedGen C0007193, MeSH D002311, MONDO:0005021, HP:0001644. Inheritance: Various modes of inheritance.
Arrhythmogenic right ventricular dysplasia 12. Also called: ARRHYTHMOGENIC RIGHT VENTRICULAR DYSPLASIA, FAMILIAL, 12. Identifiers: MedGen C1969081, MONDO:0012684, OMIM 611528.
Naxos disease (NXD). Also called: KERATOSIS PALMOPLANTARIS WITH ARRHYTHMOGENIC CARDIOMYOPATHY; MAL DE NAXOS; PALMOPLANTAR KERATODERMA WITH ARRHYTHMOGENIC RIGHT VENTRICULAR CARDIOMYOPATHY AND WOOLLY HAIR; CARDIOMYOPATHY, ARRHYTHMOGENIC RIGHT VENTRICULAR, WITH SKIN, HAIR, AND NAIL ABNORMALITIES; WOOLLY HAIR, PALMOPLANTAR KERATODERMA, AND CARDIAC ABNORMALITIES. Identifiers: Orphanet 34217, MedGen C1832600, MONDO:0011017, OMIM 601214.
Cardiovascular phenotype. Identifiers: MedGen CN230736.

Allele frequency attached by ClinVar (database versions not stated): gnomAD 0.00001; TOPMed 0.00002; ESP Exome Variant Server 0.00008.
gnomAD v4.1: 2 of 1,611,132 alleles (0.00012%); highest among the groups gnomAD compares: African/African-American, 0.0027%; no homozygotes.

Submissions (3):

Labcorp Genetics (formerly Invitae), Labcorp
Classification: Uncertain significance for Arrhythmogenic right ventricular dysplasia 12; Naxos disease. Last evaluated: 2025-12-26. Review status: criteria provided, single submitter. Criteria: Invitae Variant Classification Sherloc (09022015). Collection method: clinical testing. Allele origin: germline.
Comment: This sequence change replaces glutamine, which is neutral and polar, with glutamic acid, which is acidic and polar, at codon 519 of the JUP protein (p.Gln519Glu). This variant is not present in population databases (gnomAD no frequency). This variant has not been reported in the literature in individuals affected with JUP-related conditions. ClinVar contains an entry for this variant (Variation ID: 566899). An algorithm developed to predict the effect of missense changes on protein structure and function (PolyPhen-2) suggests that this variant is likely to be tolerated. In summary, the available evidence is currently insufficient to determine the role of this variant in disease. Therefore, it has been classified as a Variant of Uncertain Significance.

Ambry Genetics
Classification: Uncertain significance for Cardiovascular phenotype. Last evaluated: 2020-02-27. Review status: criteria provided, single submitter. Criteria: Ambry Variant Classification Scheme 2023. Collection method: clinical testing. Allele origin: germline.
Comment: The p.Q519E variant (also known as c.1555C>G), located in coding exon 8 of the JUP gene, results from a C to G substitution at nucleotide position 1555. The glutamine at codon 519 is replaced by glutamic acid, an amino acid with highly similar properties. This amino acid position is not well conserved in available vertebrate species. In addition, this alteration is predicted to be tolerated by in silico analysis. Since supporting evidence is limited at this time, the clinical significance of this alteration remains unclear.

Genetics and Genomics Program, Sidra Medicine
Classification: Uncertain significance for Primary dilated cardiomyopathy. Review status: criteria provided, single submitter. Criteria: ACMG Guidelines, 2015. Collection method: research. Allele origin: unknown. Affected: yes. Observed: 1 variant allele.